The following is an entry in ClinVar:

ClinVar aggregate classification (germline): Uncertain significance (1 of 4 stars; one submission).

Conditions:
Hereditary cancer-predisposing syndrome. Also called: Hereditary Cancer Syndrome; Hereditary neoplastic syndrome; Neoplastic Syndromes, Hereditary; Tumor predisposition. Identifiers: Orphanet 140162, MedGen C0027672, MeSH D009386, MONDO:0015356.

Allele frequency attached by ClinVar (database versions not stated): gnomAD exomes below 0.00001.
gnomAD v4.1: 1 of 1,614,144 alleles (0.000062%); highest among the groups gnomAD compares: Non-Finnish European, 0.000085%; no homozygotes.

Submission:

Ambry Genetics
Classification: Uncertain significance for Hereditary cancer-predisposing syndrome. Last evaluated: 2023-06-28. Review status: criteria provided, single submitter. Criteria: Ambry Variant Classification Scheme 2023. Collection method: clinical testing. Allele origin: germline.
Comment: The p.L2492V variant (also known as c.7474C>G), located in coding exon 49 of the ATM gene, results from a C to G substitution at nucleotide position 7474. The leucine at codon 2492 is replaced by valine, an amino acid with highly similar properties. This amino acid position is conserved. In addition, the in silico prediction for this alteration is inconclusive. Since supporting evidence is limited at this time, the clinical significance of this alteration remains unclear.

NM_000051.4(ATM):c.7474C>G (p.Leu2492Val)

Genes: ATM (ATM serine/threonine kinase; plus strand), C11orf65 (chromosome 11 open reading frame 65; minus strand). Cytogenetic location: 11q22.3.
Variant type: single nucleotide variant.
Coding change: c.7474C>G on transcript NM_000051.4 (MANE Select); coding-DNA position 7474, C replaced by G.
Protein change: p.Leu2492Val; replaces leucine 2492 with valine.
Molecular consequence: missense variant. On other transcripts: intron variant (2).
Genome position (GRCh38, 1-based): chr11:108,330,380, C>G. VCF-style: chr11-108330380-C-G. GRCh37 (hg19) VCF-style: chr11-108201107-C-G.
Other names: c.7474C>G, p.Leu2492Val (NM_001351834.2); c.641-21309G>C (NM_001330368.2); c.*38+4840G>C (NM_001351110.2); short protein forms L2492V.
Identifiers: ClinVar variation 2587768 (VCV002587768.2), dbSNP rs1555123259, ClinGen allele CA382560452.